The following is an entry in ClinVar:

ClinVar aggregate classification (germline): Uncertain significance (1 of 4 stars; one submission).

Allele frequency attached by ClinVar (database versions not stated): gnomAD exomes 0.00001; ExAC 0.00002; gnomAD 0.00004 and 0.00005; TOPMed 0.00008.
gnomAD v4.1: 15 of 1,613,518 alleles (0.00093%); highest among the groups gnomAD compares: African/African-American, 0.019%; no homozygotes.

Submission:

Labcorp Genetics (formerly Invitae), Labcorp
Classification: Uncertain significance. Last evaluated: 2025-02-10. Review status: criteria provided, single submitter. Criteria: Invitae Variant Classification Sherloc (09022015). Collection method: clinical testing. Allele origin: germline.
Comment: This sequence change affects codon 181 of the ACVR1 mRNA. It is a 'silent' change, meaning that it does not change the encoded amino acid sequence of the ACVR1 protein. It affects a nucleotide within the consensus splice site. This variant is present in population databases (rs771401156, gnomAD 0.01%). This variant has not been reported in the literature in individuals affected with ACVR1-related conditions. ClinVar contains an entry for this variant (Variation ID: 1470562). Algorithms developed to predict the effect of sequence changes on RNA splicing suggest that this variant is not likely to affect RNA splicing. In summary, the available evidence is currently insufficient to determine the role of this variant in disease. Therefore, it has been classified as a Variant of Uncertain Significance.

NM_001111067.4(ACVR1):c.543A>C (p.Ala181=)

Gene: ACVR1 (activin A receptor type 1; minus strand). Cytogenetic location: 2q24.1.
Variant type: single nucleotide variant.
Coding change: c.543A>C on transcript NM_001111067.4 (MANE Select); coding-DNA position 543, A replaced by C.
Protein change: p.Ala181=; no amino-acid change (alanine 181 retained).
Molecular consequence: synonymous variant.
Genome position (GRCh38, 1-based): chr2:157,778,131, T>G on the plus strand (A>C on the coding strand, the complement: ACVR1 is on the minus strand). VCF-style: chr2-157778131-T-G. GRCh37 (hg19) VCF-style: chr2-158634643-T-G.
Other names: c.543A>C, p.Ala181= (NM_001105.5, NM_001347663.1, NM_001347664.1 and 3 more transcripts).
Identifiers: ClinVar variation 1470562 (VCV001470562.6), dbSNP rs771401156, ClinGen allele CA1919137.